The following is an entry in ClinVar:

NM_001375524.1(TRRAP):c.8786T>A (p.Leu2929Gln)

Gene: TRRAP (transformation/transcription domain associated protein; plus strand). Cytogenetic location: 7q22.1.
Variant type: single nucleotide variant.
Coding change: c.8786T>A on transcript NM_001375524.1 (MANE Select); coding-DNA position 8786, T replaced by A.
Protein change: p.Leu2929Gln; replaces leucine 2929 with glutamine.
Molecular consequence: missense variant.
Genome position (GRCh38, 1-based): chr7:98,981,920, T>A. VCF-style: chr7-98981920-T-A. GRCh37 (hg19) VCF-style: chr7-98579543-T-A.
Other names: c.8765T>A, p.Leu2922Gln (NM_001244580.2); c.8711T>A, p.Leu2904Gln (NM_003496.4); short protein forms L2904Q, L2922Q, L2929Q.
Identifiers: ClinVar variation 3242012 (VCV003242012.1), dbSNP rs2484968108.

ClinVar aggregate classification (germline): Uncertain significance (1 of 4 stars; one submission).

Conditions:
Developmental delay with or without dysmorphic facies and autism. Identifiers: MedGen C5193106, MONDO:0032760, OMIM 618454.

Submission:

Neuberg Centre For Genomic Medicine, NCGM
Classification: Uncertain significance for Developmental delay with or without dysmorphic facies and autism. Review status: criteria provided, single submitter. Criteria: ACMG Guidelines, 2015. Collection method: clinical testing. Allele origin: germline. Inheritance: Autosomal dominant inheritance. Affected: yes.
Comment: The observed missense c.8786T>A(p.Leu2929Gln) variant in TRRAP gene has not been reported previously as a pathogenic variant nor as a benign variant, to our knowledge. This variant is absent in gnomAD Exomes. The amino acid Leu at position 2929 is changed to a Gln changing protein sequence and it might alter its composition and physico-chemical properties. The amino acid change p.Leu2929Gln in TRRAP is predicted as conserved by GERP++ and PhyloP across 100 vertebrates. The variant is predicted as damaging by SIFT. For these reasons, this variant has been classified as Uncertain Significance.